The following is an entry in ClinVar:

NM_019066.5(MAGEL2):c.353C>T (p.Pro118Leu)

Gene: MAGEL2 (MAGE family member L2; minus strand). Cytogenetic location: 15q11.2.
Variant type: single nucleotide variant.
Coding change: c.353C>T on transcript NM_019066.5 (MANE Select); coding-DNA position 353, C replaced by T.
Protein change: p.Pro118Leu; replaces proline 118 with leucine.
Molecular consequence: missense variant.
Genome position (GRCh38, 1-based): chr15:23,647,390, G>A on the plus strand (C>T on the coding strand, the complement: MAGEL2 is on the minus strand). VCF-style: chr15-23647390-G-A. GRCh37 (hg19) VCF-style: chr15-23892537-G-A.
Other names: short protein forms P118L.
Identifiers: ClinVar variation 430473 (VCV000430473.8), dbSNP rs1131691985, ClinGen allele CA391337394.

ClinVar aggregate classification (germline): Uncertain significance. Review status: criteria provided, multiple submitters, no conflicts (2 of 4 stars). 4 submissions from 4 submitters: Uncertain significance (4). Last evaluated 2026-09-08.

Conditions:
MAGEL2-related disorder. Also called: MAGEL2-related condition.
Schaaf-Yang syndrome (SHFYNG). Also called: Arthrogryposis, distal, with hypopituitarism, intellectual disability, and facial anomalies; MAGEL2-related Prader-Willi-like syndrome. Identifiers: Orphanet 398069, MedGen C5575066, MONDO:0014243, OMIM 615547.

gnomAD v4.1: 2 of 1,536,726 alleles (0.00013%); highest among the groups gnomAD compares: Non-Finnish European, 0.00017%; no homozygotes.

Submissions (4):

PreventionGenetics, part of Exact Sciences
Classification: Uncertain significance for MAGEL2-related condition. Last evaluated: 2026-09-08. Review status: criteria provided, single submitter. Criteria: ACMG Guidelines, 2015. Collection method: clinical testing. Allele origin: germline.
Comment: The MAGEL2 c.353C>T variant is predicted to result in the amino acid substitution p.Pro118Leu. To our knowledge, this variant has not been reported in the literature or in a large population database, indicating this variant is rare. At this time, the clinical significance of this variant is uncertain due to the absence of conclusive functional and genetic evidence.

Labcorp Genetics (formerly Invitae), Labcorp
Classification: Uncertain significance. Last evaluated: 2025-05-21. Review status: criteria provided, single submitter. Criteria: Invitae Variant Classification Sherloc (09022015). Collection method: clinical testing. Allele origin: germline.
Comment: This sequence change replaces proline, which is neutral and non-polar, with leucine, which is neutral and non-polar, at codon 118 of the MAGEL2 protein (p.Pro118Leu). This variant is not present in population databases (gnomAD no frequency). This variant has not been reported in the literature in individuals affected with MAGEL2-related conditions. ClinVar contains an entry for this variant (Variation ID: 430473). Experimental studies and prediction algorithms are not available or were not evaluated, and the functional significance of this variant is currently unknown. In summary, the available evidence is currently insufficient to determine the role of this variant in disease. Therefore, it has been classified as a Variant of Uncertain Significance.

GeneDx
Classification: Uncertain significance. Last evaluated: 2019-04-16. Review status: criteria provided, single submitter. Criteria: GeneDx Variant Classification Process June 2021. Collection method: clinical testing. Allele origin: germline. Affected: yes.
Comment: Not observed in large population cohorts (Lek et al., 2016); Has not been previously published as pathogenic or benign to our knowledge

Geisinger Autism and Developmental Medicine Institute, Geisinger Health System
Classification: Uncertain significance for Schaaf-Yang syndrome. Last evaluated: 2017-08-29. Review status: criteria provided, single submitter. Criteria: ACMG Guidelines, 2015. Collection method: provider interpretation, clinical testing. Allele origin: paternal. Observed: 1 variant allele.
Comment: The p.Pro118Leu variant is absent from the gnomAD database. Computational models predict it to be benign. Clinical correlation with Schaaf-Yang syndrome was thought to be poor. The MAGEL2 gene is not constrained for missense variation and variants reported in association with Schaaf-Yang syndrome are typically truncating and de novo (Fountain, 2017). Since the this gene is maternally imprinted, testing of paternal grandparents was discussed but has not been completed.

Literature cited by the submitters: PubMed 27195816 (cited by Geisinger Autism and Developmental Medicine Institute, Geisinger Health System).